The following is an entry in ClinVar:

ClinVar aggregate classification (germline): Uncertain significance. Review status: reviewed by expert panel (3 of 4 stars). 4 submissions from 4 submitters: Uncertain significance (1). 3 of the submissions do not count toward it. Last evaluated 2026-05-13.

Conditions:
Inborn genetic diseases. Identifiers: MedGen C0950123, MeSH D030342.
Arginine:glycine amidinotransferase deficiency (CCDS3). Also called: AGAT deficiency; L-Arginine:Glycine Amidinotransferase (AGAT) Deficiency; Cerebral creatine deficiency syndrome 3; L-Arginine:Glycine Amidinotransferase Deficiency; Creatine deficiency syndrome due to AGAT deficiency; GATM deficiency. Identifiers: Orphanet 35704, MedGen C2675179, MONDO:0012996, OMIM 612718.

Allele frequency attached by ClinVar (database versions not stated): gnomAD exomes 0.00002 and 0.00003; ExAC 0.00003; gnomAD 0.00005 and 0.00006; TOPMed 0.00005; ESP Exome Variant Server 0.00008.
gnomAD v4.1: 44 of 1,613,612 alleles (0.0027%); highest among the groups gnomAD compares: African/African-American, 0.012%; no homozygotes.

Submissions (5):

ClinGen Cerebral Creatine Deficiency Syndromes Variant Curation Expert Panel, ClinGen
Classification: Uncertain significance for Arginine:glycine amidinotransferase deficiency. Last evaluated: 2026-05-13. Review status: reviewed by expert panel. Criteria: ClinGen CCDS ACMG Specifications GATM V2.0.0. Collection method: curation. Allele origin: germline. Inheritance: Autosomal recessive inheritance.
Comment: The NM_001482.3:c.277A>G variant in GATM is a missense variant that is predicted to cause the substitution of an isoleucine by a valine at amino acid position 93 (p.Ile93Val). The Total GrpMax filtering allele frequency in gnomAD v4.1.0. is 0.00006236 from the African / African American genetic ancestry group (the lower threshold of the 95% CI of 9/74898 alleles), which is lower than the ClinGen CCDS VCEP's threshold (>0.0001) for BS1, but higher than the VCEP's MAF threshold for PM2_Supporting (<0.000055). Therefore, no population criteria are met. The computational predictor REVEL gives a score of 0.143 which is below the threshold of 0.15, evidence that does not predict a damaging effect on AGAT function (BP4). Expression of the variant in HeLa cells resulted in 18% of wild type AGAT activity (PMID: 27233232), higher than the cutoff for PS3_Supporting (<15%) and less than the cutoff for BS3_Supporting (≥30%), such that no experimental evidence codes are met. There is a ClinVar entry for this variant (Variation ID: 205610). In summary, this variant meets the criteria to be classified as a variant of uncertain significance for AGAT deficiency based on the GATM-specific ACMG/AMP criteria applied, as specified by the ClinGen Cerebral Creatine Deficiency Syndromes Variant Curation Expert Panel (Specifications Version 2.0.0): BP4. (Classification approved by the ClinGen Cerebral Creatine Deficiency Syndromes Variant Curation Expert Panel on April 24, 2026).

Labcorp Genetics (formerly Invitae), Labcorp
Classification: Uncertain significance for Arginine:glycine amidinotransferase deficiency. Last evaluated: 2025-12-03. Review status: criteria provided, single submitter. Criteria: Invitae Variant Classification Sherloc (09022015). Collection method: clinical testing. Allele origin: germline. Not counted in ClinVar's aggregate classification.
Comment: This sequence change replaces isoleucine, which is neutral and non-polar, with valine, which is neutral and non-polar, at codon 93 of the GATM protein (p.Ile93Val). This variant is present in population databases (rs34991226, gnomAD 0.007%). This variant has not been reported in the literature in individuals affected with GATM-related conditions. ClinVar contains an entry for this variant (Variation ID: 205610). Invitae Evidence Modeling of protein sequence and biophysical properties (such as structural, functional, and spatial information, amino acid conservation, physicochemical variation, residue mobility, and thermodynamic stability) indicates that this missense variant is not expected to disrupt GATM protein function with a negative predictive value of 95%. Experimental studies are conflicting or provide insufficient evidence to determine the effect of this variant on GATM function (PMID: 27233232). In summary, the available evidence is currently insufficient to determine the role of this variant in disease. Therefore, it has been classified as a Variant of Uncertain Significance.

GeneDx
Classification: Uncertain significance. Last evaluated: 2025-09-26. Review status: criteria provided, single submitter. Criteria: GeneDx Variant Classification Process June 2021. Collection method: clinical testing. Allele origin: germline. Affected: yes. Not counted in ClinVar's aggregate classification.
Comment: Functional studies showed the variant had 18% of wild-type GATM activity; however, the author suggested that greater than 15% of GATM activity could be sufficient for normal brain creatine level and normal development (PMID: 27233232); Not observed at significant frequency in large population cohorts (gnomAD); In silico analysis suggests that this missense variant does not alter protein structure/function; This variant is associated with the following publications: (PMID: 27233232)

Ambry Genetics
Classification: Likely benign for Inborn genetic diseases. Last evaluated: 2018-09-22. Review status: criteria provided, single submitter. Criteria: Ambry Variant Classification Scheme 2023. Collection method: clinical testing. Allele origin: germline. Not counted in ClinVar's aggregate classification.

Hospital for Sick Children
No classification provided (evidence only). Review status: no classification provided. Collection method: in vitro. Allele origin: not applicable. Functional consequence: no known functional consequence. Not counted in ClinVar's aggregate classification.
ClinVar note: "not provided" was previously submitted as the classification for the variant. However, the classification appeared to be based only on an observation of functional data so it was converted to no classification on 2025-07-30.

Literature cited by the submitters: PubMed 27233232 (cited by Labcorp Genetics (formerly Invitae), Labcorp and Hospital for Sick Children).

NM_001482.3(GATM):c.277A>G (p.Ile93Val)

Gene: GATM (glycine amidinotransferase; minus strand). Cytogenetic location: 15q21.1.
Variant type: single nucleotide variant.
Coding change: c.277A>G on transcript NM_001482.3 (MANE Select); coding-DNA position 277, A replaced by G.
Protein change: p.Ile93Val; replaces isoleucine 93 with valine.
Molecular consequence: missense variant. On other transcripts: 5 prime UTR variant (1).
Genome position (GRCh38, 1-based): chr15:45,376,612, T>C on the plus strand (A>G on the coding strand, the complement: GATM is on the minus strand). VCF-style: chr15-45376612-T-C. GRCh37 (hg19) VCF-style: chr15-45668810-T-C.
Other names: p.I93V:ATC>GTC; NM_001482.3(GATM):c.277A>G; c.-111A>G (NM_001321015.2); short protein forms I93V.
Identifiers: ClinVar variation 205610 (VCV000205610.14), dbSNP rs34991226, ClinGen allele CA314862.